The following is an entry in ClinVar:

NM_052947.4(ALPK2):c.4531G>C (p.Gly1511Arg)

Genes: ALPK2 (alpha kinase 2; minus strand), LOC126862764 (BRD4-independent group 4 enhancer GRCh37_chr18:56202574-56203773; plus strand). Cytogenetic location: 18q21.31.
Variant type: single nucleotide variant.
Coding change: c.4531G>C on transcript NM_052947.4 (MANE Select); coding-DNA position 4531, G replaced by C.
Protein change: p.Gly1511Arg; replaces glycine 1511 with arginine.
Molecular consequence: missense variant.
Genome position (GRCh38, 1-based): chr18:58,535,656, C>G on the plus strand (G>C on the coding strand, the complement: ALPK2 is on the minus strand). VCF-style: chr18-58535656-C-G. GRCh37 (hg19) VCF-style: chr18-56202888-C-G.
Other names: short protein forms G1511R.
Identifiers: ClinVar variation 2625967 (VCV002625967.2), dbSNP rs2518874581, ClinGen allele CA402561733.

ClinVar aggregate classification (germline): Uncertain significance (1 of 4 stars; one submission).

Submission:

Ambry Genetics
Classification: Uncertain significance. Last evaluated: 2023-08-04. Review status: criteria provided, single submitter. Criteria: Ambry Variant Classification Scheme 2023. Collection method: clinical testing. Allele origin: germline.
Comment: The p.G1511R variant (also known as c.4531G>C), located in coding exon 4 of the ALPK2 gene, results from a G to C substitution at nucleotide position 4531. The glycine at codon 1511 is replaced by arginine, an amino acid with dissimilar properties. This amino acid position is conserved. In addition, this alteration is predicted to be tolerated by in silico analysis. Since supporting evidence is limited at this time, the clinical significance of this alteration remains unclear.